The following is an entry in ClinVar:

NM_002227.4(JAK1):c.2635C>T (p.Arg879Cys)

Gene: JAK1 (Janus kinase 1; minus strand). Cytogenetic location: 1p31.3.
Variant type: single nucleotide variant.
Coding change: c.2635C>T on transcript NM_002227.4 (MANE Select); coding-DNA position 2635, C replaced by T.
Protein change: p.Arg879Cys; replaces arginine 879 with cysteine.
Molecular consequence: missense variant.
Genome position (GRCh38, 1-based): chr1:64,841,259, G>A on the plus strand (C>T on the coding strand, the complement: JAK1 is on the minus strand). VCF-style: chr1-64841259-G-A. GRCh37 (hg19) VCF-style: chr1-65306942-G-A.
Other names: c.2635C>T, p.Arg879Cys (NM_001320923.2, NM_001321852.2, NM_001321853.2 and 3 more transcripts); c.2632C>T, p.Arg878Cys (NM_001321857.2); short protein forms R878C, R879C.
Identifiers: ClinVar variation 2797488 (VCV002797488.3), dbSNP rs776082057, ClinGen allele CA892627.

ClinVar aggregate classification (germline): Uncertain significance (1 of 4 stars; one submission).

Allele frequency attached by ClinVar (database versions not stated): gnomAD 0.00001; gnomAD exomes 0.00001; TOPMed 0.00001; ExAC 0.00002.
gnomAD v4.1: 11 of 1,613,598 alleles (0.00068%); highest among the groups gnomAD compares: Admixed American, 0.005%; no homozygotes.

Submission:

Labcorp Genetics (formerly Invitae), Labcorp
Classification: Uncertain significance. Last evaluated: 2023-12-01. Review status: criteria provided, single submitter. Criteria: Invitae Variant Classification Sherloc (09022015). Collection method: clinical testing. Allele origin: germline.
Comment: This sequence change replaces arginine, which is basic and polar, with cysteine, which is neutral and slightly polar, at codon 879 of the JAK1 protein (p.Arg879Cys). This variant is present in population databases (rs776082057, gnomAD 0.006%). This variant has not been reported in the literature in individuals affected with JAK1-related conditions. Advanced modeling of protein sequence and biophysical properties (such as structural, functional, and spatial information, amino acid conservation, physicochemical variation, residue mobility, and thermodynamic stability) performed at Invitae indicates that this missense variant is not expected to disrupt JAK1 protein function with a negative predictive value of 80%. Experimental studies have shown that this missense change affects JAK1 function (PMID: 18362173). In summary, the available evidence is currently insufficient to determine the role of this variant in disease. Therefore, it has been classified as a Variant of Uncertain Significance.

Literature cited by the submitters: PubMed 18362173.